The following is an entry in ClinVar:

ClinVar aggregate classification (germline): Uncertain significance (1 of 4 stars; one submission).

Submission:

Greenwood Genetic Center Diagnostic Laboratories, Greenwood Genetic Center
Classification: Uncertain significance. Last evaluated: 2025-12-30. Review status: criteria provided, single submitter. Criteria: ACMG Guidelines, 2015. Collection method: clinical testing. Allele origin: germline. Affected: yes.
Comment: PM2, PM3, PP3

NM_016156.6(MTMR2):c.1460T>G (p.Val487Gly)

Gene: MTMR2 (myotubularin related protein 2; minus strand). Cytogenetic location: 11q21.
Variant type: single nucleotide variant.
Coding change: c.1460T>G on transcript NM_016156.6 (MANE Select); coding-DNA position 1460, T replaced by G.
Protein change: p.Val487Gly; replaces valine 487 with glycine.
Molecular consequence: missense variant. On other transcripts: intron variant (4).
Genome position (GRCh38, 1-based): chr11:95,841,636, A>C on the plus strand (T>G on the coding strand, the complement: MTMR2 is on the minus strand). VCF-style: chr11-95841636-A-C. GRCh37 (hg19) VCF-style: chr11-95574800-A-C.
Other names: c.1376T>G, p.Val459Gly (NM_001440647.1); c.1274T>G, p.Val425Gly (NM_001440649.1, NM_001440650.1); c.1271T>G, p.Val424Gly (NM_001440651.1); c.1244T>G, p.Val415Gly (NM_201278.3, NM_201281.3, NM_001243571.2 and 8 more transcripts); c.1386+3317T>G (NM_001440648.1); c.1170+3317T>G (NM_001440639.1, NM_001440638.1, NM_001440641.1); c.1112T>G, p.Val371Gly (NM_001440642.1); c.1058T>G, p.Val353Gly (NM_001440643.1); short protein forms V353G, V371G, V415G, V424G, V425G, V459G, V487G.
Identifiers: ClinVar variation 4845557 (VCV004845557.1).